The following is an entry in ClinVar:

ClinVar aggregate classification (germline): Pathogenic. Review status: criteria provided, multiple submitters, no conflicts (2 of 4 stars). 2 submissions from 2 submitters: Pathogenic (2). Last evaluated 2023-12-28.

Conditions:
Glutaric aciduria, type 1. Also called: GA I; Glutaricacidemia Type 1; Glutaricaciduria, type I; Glutaric Acidemia Type 1; Glutaryl-CoA dehydrogenase deficiency; Glutaric acidemia type I. Identifiers: Orphanet 25, MedGen C0268595, MONDO:0009281, OMIM 231670.

Submissions (2):

Labcorp Genetics (formerly Invitae), Labcorp
Classification: Pathogenic for Glutaric aciduria, type 1. Last evaluated: 2023-12-28. Review status: criteria provided, single submitter. Criteria: Invitae Variant Classification Sherloc (09022015). Collection method: clinical testing. Allele origin: germline.
Comment: This sequence change creates a premature translational stop signal (p.Gln37Glufs*5) in the GCDH gene. It is expected to result in an absent or disrupted protein product. Loss-of-function variants in GCDH are known to be pathogenic (PMID: 10699052, 11854167, 16602100). This variant is not present in population databases (gnomAD no frequency). This premature translational stop signal has been observed in individual(s) with glutaric acidemia type I (PMID: 28302372, 29419857). This variant is also known as c.106delCA, T36fs and c.106_107delAC, Q37fs*5. ClinVar contains an entry for this variant (Variation ID: 958212). For these reasons, this variant has been classified as Pathogenic.

Juno Genomics, Hangzhou Juno Genomics, Inc
Classification: Pathogenic for Glutaric aciduria, type 1. Review status: criteria provided, single submitter. Criteria: ACMG Guidelines, 2015. Collection method: clinical testing. Allele origin: germline.
Comment: Absent from controls (or at extremely low frequency if recessive) in Genome Aggregation Database.;Null variant in a gene where loss of function (LOF) is a known mechanism of disease.;For recessive disorders, detected in trans with a pathogenic variant.;Patient's phenotype or family history is highly specific for a disease with a single genetic etiology.

Literature cited by the submitters: PubMed 10699052 (cited by Labcorp Genetics (formerly Invitae), Labcorp); PubMed 11854167 (cited by Labcorp Genetics (formerly Invitae), Labcorp); PubMed 16602100 (cited by Labcorp Genetics (formerly Invitae), Labcorp); PubMed 28302372 (cited by Labcorp Genetics (formerly Invitae), Labcorp); PubMed 29419857 (cited by Labcorp Genetics (formerly Invitae), Labcorp).

NM_000159.4(GCDH):c.109_110del (p.Gln37fs)

Genes: GCDH (glutaryl-CoA dehydrogenase; plus strand), LOC117125594 (CRISPRi-FlowFISH-validated KLF1 regulatory element; plus strand). Cytogenetic location: 19p13.13.
Variant type: Microsatellite.
Coding change: c.109_110del on transcript NM_000159.4 (MANE Select); coding-DNA positions 109 to 110, 2 bases deleted (CA; older notation c.109_110delCA).
Protein change: p.Gln37fs; shifts the reading frame from glutamine 37.
Molecular consequence: frameshift variant. On other transcripts: non-coding transcript variant (2).
Genome position (GRCh38, 1-based): chr19:12,891,504-12,891,505, CA deleted; deleting any 2 consecutive bases within chr19:12,891,501-12,891,505 gives the same sequence; the c. name uses the placement nearest the transcript's 3' end. VCF-style (leftmost placement, unchanged base first): chr19-12891500-AAC-A. GRCh37 (hg19) VCF-style: chr19-13002314-AAC-A.
Other names: c.109_110del, p.Gln37fs (NM_013976.5); short protein forms Q37fs.
Identifiers: ClinVar variation 958212 (VCV000958212.12), dbSNP rs1970555406, ClinGen allele CA2323620922.
Genomic context (GRCh38, chr19:12,891,500, plus strand): 5'-GGGGTTTAGGGACTTTCCGGGGTGACTTTCCCGTTCTGTGCTTGCAGAGAAAGGCGGGAG[AAC>A]ACAGAGCCAACTGGCTAAGTGTAAGGACCTCTGGTCGCACCGTGTGTCTGCTGCCCCTGT-3'